The following is an entry in ClinVar:

ClinVar aggregate classification (germline): Uncertain significance (1 of 4 stars; one submission).

Allele frequency attached by ClinVar (database versions not stated): ExAC 0.00001; gnomAD 0.00001; gnomAD exomes 0.00001; TOPMed 0.00002.
gnomAD v4.1: 9 of 1,611,274 alleles (0.00056%); highest among the groups gnomAD compares: Admixed American, 0.013%; no homozygotes.

Submission:

Labcorp Genetics (formerly Invitae), Labcorp
Classification: Uncertain significance. Last evaluated: 2024-12-02. Review status: criteria provided, single submitter. Criteria: Invitae Variant Classification Sherloc (09022015). Collection method: clinical testing. Allele origin: germline.
Comment: This sequence change replaces alanine, which is neutral and non-polar, with serine, which is neutral and polar, at codon 246 of the MTFMT protein (p.Ala246Ser). This variant is present in population databases (rs779141070, gnomAD 0.01%). This variant has not been reported in the literature in individuals affected with MTFMT-related conditions. ClinVar contains an entry for this variant (Variation ID: 1447304). Invitae Evidence Modeling of protein sequence and biophysical properties (such as structural, functional, and spatial information, amino acid conservation, physicochemical variation, residue mobility, and thermodynamic stability) indicates that this missense variant is not expected to disrupt MTFMT protein function with a negative predictive value of 95%. In summary, the available evidence is currently insufficient to determine the role of this variant in disease. Therefore, it has been classified as a Variant of Uncertain Significance.

NM_139242.4(MTFMT):c.736G>T (p.Ala246Ser)

Gene: MTFMT (mitochondrial methionyl-tRNA formyltransferase; minus strand). Cytogenetic location: 15q22.31.
Variant type: single nucleotide variant.
Coding change: c.736G>T on transcript NM_139242.4 (MANE Select); coding-DNA position 736, G replaced by T.
Protein change: p.Ala246Ser; replaces alanine 246 with serine.
Molecular consequence: missense variant.
Genome position (GRCh38, 1-based): chr15:65,016,513, C>A on the plus strand (G>T on the coding strand, the complement: MTFMT is on the minus strand). VCF-style: chr15-65016513-C-A. GRCh37 (hg19) VCF-style: chr15-65308851-C-A.
Other names: short protein forms A246S.
Identifiers: ClinVar variation 1447304 (VCV001447304.6), dbSNP rs779141070, ClinGen allele CA7613254.